The following is an entry in ClinVar:

NM_024426.6(WT1):c.520A>G (p.Thr174Ala)

Genes: WT1 (WT1 transcription factor; minus strand), LOC107982234 (WT1/WT1-AS bi-directional promoter region; plus strand). Cytogenetic location: 11p13.
Variant type: single nucleotide variant.
Coding change: c.520A>G on transcript NM_024426.6 (MANE Select); coding-DNA position 520, A replaced by G.
Protein change: p.Thr174Ala; replaces threonine 174 with alanine.
Molecular consequence: missense variant. On other transcripts: non-coding transcript variant (1).
Genome position (GRCh38, 1-based): chr11:32,434,841, T>C on the plus strand (A>G on the coding strand, the complement: WT1 is on the minus strand). VCF-style: chr11-32434841-T-C. GRCh37 (hg19) VCF-style: chr11-32456387-T-C.
Other names: c.520A>G, p.Thr174Ala (NM_000378.6, NM_024424.5); short protein forms T174A.
Identifiers: ClinVar variation 1437098 (VCV001437098.6), dbSNP rs955122145, ClinGen allele CA379964793.

ClinVar aggregate classification (germline): Uncertain significance (1 of 4 stars; one submission).

Conditions:
Wilms tumor 1 (WT1). Also called: Wilms tumor, somatic. Identifiers: Orphanet 654, MedGen CN033288, MONDO:0008679, OMIM 194070.
11p partial monosomy syndrome (WAGR). Also called: WAGR Spectrum Disorder; WAGR syndrome; CHROMOSOME 11p13 DELETION SYNDROME; WAGR Complex. Identifiers: Orphanet 893, MedGen C0206115, MONDO:0008681, OMIM 194072.
Frasier syndrome. Identifiers: Orphanet 347, MedGen C0950122, MeSH D052159, MONDO:0007635, OMIM 136680.
Drash syndrome (DDS). Also called: NEPHROPATHY, WILMS TUMOR, AND GENITAL ANOMALIES; WILMS TUMOR AND PSEUDO- OR TRUE HERMAPHRODITISM. Identifiers: Orphanet 220, MedGen C0950121, MONDO:0008682, OMIM 194080.

Allele frequency attached by ClinVar (database versions not stated): gnomAD exomes below 0.00001.
gnomAD v4.1: 2 of 1,612,520 alleles (0.00012%); highest among the groups gnomAD compares: South Asian, 0.0011%; no homozygotes.

Submission:

Labcorp Genetics (formerly Invitae), Labcorp
Classification: Uncertain significance for Wilms tumor 1; Drash syndrome; 11p partial monosomy syndrome; Frasier syndrome. Last evaluated: 2021-08-22. Review status: criteria provided, single submitter. Criteria: Invitae Variant Classification Sherloc (09022015). Collection method: clinical testing. Allele origin: germline.
Comment: This variant is not present in population databases (ExAC no frequency). This sequence change replaces threonine with alanine at codon 169 of the WT1 protein (p.Thr169Ala). The threonine residue is highly conserved and there is a small physicochemical difference between threonine and alanine. This variant has not been reported in the literature in individuals affected with WT1-related conditions. Algorithms developed to predict the effect of missense changes on protein structure and function (SIFT, PolyPhen-2, Align-GVGD) all suggest that this variant is likely to be disruptive. In summary, the available evidence is currently insufficient to determine the role of this variant in disease. Therefore, it has been classified as a Variant of Uncertain Significance.